The following is an entry in ClinVar:

NM_182961.4(SYNE1):c.23145+33C>T

Gene: SYNE1 (spectrin repeat containing nuclear envelope protein 1; minus strand). Cytogenetic location: 6q25.2.
Variant type: single nucleotide variant.
Coding change: c.23145+33C>T on transcript NM_182961.4 (MANE Select); 33 bases into the intron after coding-DNA position 23145, C replaced by T.
Molecular consequence: intron variant.
Genome position (GRCh38, 1-based): chr6:152,201,791, G>A on the plus strand (C>T on the coding strand, the complement: SYNE1 is on the minus strand). VCF-style: chr6-152201791-G-A. GRCh37 (hg19) VCF-style: chr6-152522926-G-A.
Other names: c.22932+33C>T (NM_033071.5).
Identifiers: ClinVar variation 262185 (VCV000262185.2), dbSNP rs2253512, ClinGen allele CA4053682.
Genomic context (GRCh38, chr6:152,201,791, plus strand): 5'-TAGATAACCTAAGAGTTTGACTGGATTATGGCCCCAAAGACATTCCAGCAGAGGCACACA[G>A]GTGACGGTGAAAATCTCAGTTCAGTAATTTACCTTGCAACGCATTTGTTCTGCATGGAGC-3'

ClinVar aggregate classification (germline): Benign. Review status: criteria provided, multiple submitters, no conflicts (2 of 4 stars). 2 submissions from 2 submitters: Benign (2). Last evaluated 2018-06-14.

Allele frequency attached by ClinVar (database versions not stated): gnomAD 0.13289 and 0.13429; TOPMed 0.13299; 1000 Genomes Project 30x 0.13398; 1000 Genomes Project 0.13458; ESP Exome Variant Server 0.13963; gnomAD exomes 0.14938 and 0.15958; ExAC 0.14960.
gnomAD v4.1: 253,777 of 1,613,416 alleles (16%); highest among the groups gnomAD compares: Middle Eastern, 21%; 20,858 homozygotes.

Submissions (2):

GeneDx
Classification: Benign. Last evaluated: 2018-06-14. Review status: criteria provided, single submitter. Criteria: GeneDx Variant Classification (06012015). Collection method: clinical testing. Allele origin: germline. Affected: yes.
Comment: This variant is considered likely benign or benign based on one or more of the following criteria: it is a conservative change, it occurs at a poorly conserved position in the protein, it is predicted to be benign by multiple in silico algorithms, and/or has population frequency not consistent with disease.

PreventionGenetics, part of Exact Sciences
Classification: Benign. Review status: criteria provided, single submitter. Criteria: ACMG Guidelines, 2015. Collection method: clinical testing. Allele origin: germline.